The following is an entry in ClinVar:

ClinVar aggregate classification (germline): Uncertain significance. Review status: criteria provided, multiple submitters, no conflicts (2 of 4 stars). 2 submissions from 2 submitters: Uncertain significance (2). Last evaluated 2025-09-03.

Conditions:
Inborn genetic diseases. Identifiers: MedGen C0950123, MeSH D030342.

Allele frequency attached by ClinVar (database versions not stated): gnomAD exomes 0.00001; TOPMed below 0.00001.
gnomAD v4.1: 15 of 1,613,630 alleles (0.00093%); highest among the groups gnomAD compares: Non-Finnish European, 0.0012%; no homozygotes.

Submissions (2):

Labcorp Genetics (formerly Invitae), Labcorp
Classification: Uncertain significance. Last evaluated: 2025-09-03. Review status: criteria provided, single submitter. Criteria: Invitae Variant Classification Sherloc (09022015). Collection method: clinical testing. Allele origin: germline.
Comment: This sequence change replaces glutamic acid, which is acidic and polar, with lysine, which is basic and polar, at codon 881 of the CDH2 protein (p.Glu881Lys). This variant is not present in population databases (gnomAD no frequency). This variant has not been reported in the literature in individuals affected with CDH2-related conditions. ClinVar contains an entry for this variant (Variation ID: 2565600). An algorithm developed to predict the effect of missense changes on protein structure and function (PolyPhen-2) suggests that this variant is likely to be disruptive. Algorithms developed to predict the effect of sequence changes on RNA splicing suggest that this variant may create or strengthen a splice site. In summary, the available evidence is currently insufficient to determine the role of this variant in disease. Therefore, it has been classified as a Variant of Uncertain Significance.

Ambry Genetics
Classification: Uncertain significance for Inborn genetic diseases. Last evaluated: 2023-04-07. Review status: criteria provided, single submitter. Criteria: Ambry Variant Classification Scheme 2023. Collection method: clinical testing. Allele origin: germline.
Comment: The p.E881K variant (also known as c.2641G>A), located in coding exon 16 of the CDH2 gene, results from a G to A substitution at nucleotide position 2641. The glutamic acid at codon 881 is replaced by lysine, an amino acid with similar properties. This amino acid position is conserved. In addition, the in silico prediction for this alteration is inconclusive. Since supporting evidence is limited at this time, the clinical significance of this alteration remains unclear.

NM_001792.5(CDH2):c.2641G>A (p.Glu881Lys)

Genes: CDH2 (cadherin 2; minus strand), CDH2-AS1 (CDH2 antisense RNA 1; plus strand). Cytogenetic location: 18q12.1.
Variant type: single nucleotide variant.
Coding change: c.2641G>A on transcript NM_001792.5 (MANE Select); coding-DNA position 2641, G replaced by A.
Protein change: p.Glu881Lys; replaces glutamic acid 881 with lysine.
Molecular consequence: missense variant.
Genome position (GRCh38, 1-based): chr18:27,952,233, C>T on the plus strand (G>A on the coding strand, the complement: CDH2 is on the minus strand). VCF-style: chr18-27952233-C-T. GRCh37 (hg19) VCF-style: chr18-25532197-C-T.
Other names: c.2548G>A, p.Glu850Lys (NM_001308176.2); short protein forms E850K, E881K.
Identifiers: ClinVar variation 2565600 (VCV002565600.3), dbSNP rs879088485, ClinGen allele CA297653014.